The following is an entry in ClinVar:

ClinVar aggregate classification (germline): Conflicting classifications of pathogenicity. Review status: criteria provided, conflicting classifications (1 of 4 stars). 5 submissions from 5 submitters: Uncertain significance (2); Likely benign (3). Last evaluated 2025-11-19.

Conditions:
Glycogen storage disease due to muscle beta-enolase deficiency (GSD13). Also called: ENOLASE 3 DEFICIENCY; ENOLASE-BETA DEFICIENCY; GSD XIII; Glycogen Storage Disease Type XIII. Identifiers: Orphanet 99849, MedGen C2752027, MONDO:0013046, OMIM 612932.

Allele frequency attached by ClinVar (database versions not stated): ESP Exome Variant Server 0.00015; gnomAD 0.00015 and 0.00016; TOPMed 0.00015; gnomAD exomes 0.00027 and 0.00028; ExAC 0.00044.
gnomAD v4.1: 419 of 1,614,036 alleles (0.026%); highest among the groups gnomAD compares: Non-Finnish European, 0.032%; no homozygotes.

Submissions (5):

Labcorp Genetics (formerly Invitae), Labcorp
Classification: Likely benign for Glycogen storage disease due to muscle beta-enolase deficiency. Last evaluated: 2025-11-19. Review status: criteria provided, single submitter. Criteria: Invitae Variant Classification Sherloc (09022015). Collection method: clinical testing. Allele origin: germline.

Blueprint Genetics
Classification: Likely benign. Last evaluated: 2024-09-03. Review status: criteria provided, single submitter. Criteria: ACMG Guidelines, 2015. Collection method: clinical testing. Allele origin: germline.

CeGaT Center for Human Genetics Tuebingen
Classification: Uncertain significance. Last evaluated: 2018-06-01. Review status: criteria provided, single submitter. Criteria: CeGaT Center For Human Genetics Tuebingen Variant Classification Criteria Version 2. Collection method: clinical testing. Allele origin: germline. Affected: yes. Observed: 1 variant allele.

Illumina Laboratory Services, Illumina
Classification: Uncertain significance for Glycogen storage disease due to muscle beta-enolase deficiency. Last evaluated: 2018-01-12. Review status: criteria provided, single submitter. Criteria: ICSL Variant Classification Criteria 13 December 2019. Collection method: clinical testing. Allele origin: germline.

GeneDx
Classification: Likely benign. Last evaluated: 2016-08-29. Review status: criteria provided, single submitter. Criteria: GeneDx Variant Classification (06012015). Collection method: clinical testing. Allele origin: germline. Affected: yes.
Comment: This variant is considered likely benign or benign based on one or more of the following criteria: it is a conservative change, it occurs at a poorly conserved position in the protein, it is predicted to be benign by multiple in silico algorithms, and/or has population frequency not consistent with disease.

NM_053013.4(ENO3):c.249C>T (p.Ser83=)

Gene: ENO3 (enolase 3; plus strand). Cytogenetic location: 17p13.2.
Variant type: single nucleotide variant.
Coding change: c.249C>T on transcript NM_053013.4 (MANE Select); coding-DNA position 249, C replaced by T.
Protein change: p.Ser83=; no amino-acid change (serine 83 retained).
Molecular consequence: synonymous variant. On other transcripts: intron variant (1).
Genome position (GRCh38, 1-based): chr17:4,953,280, C>T. VCF-style: chr17-4953280-C-T. GRCh37 (hg19) VCF-style: chr17-4856575-C-T.
Other names: c.249C>T, p.Ser83= (NM_001976.5); c.181+390C>T (NM_001193503.2).
Identifiers: ClinVar variation 388654 (VCV000388654.52), dbSNP rs145859308, ClinGen allele CA8316232.